The following is an entry in ClinVar:

ClinVar aggregate classification (germline): Uncertain significance. Review status: criteria provided, multiple submitters, no conflicts (2 of 4 stars). 2 submissions from 2 submitters: Uncertain significance (2). Last evaluated 2026-04-22.

Conditions:
Inborn genetic diseases. Identifiers: MedGen C0950123, MeSH D030342.
PKD1L1-related disorder. Also called: PKD1L1-related condition.

gnomAD v4.1: 40 of 1,609,430 alleles (0.0025%); highest among the groups gnomAD compares: African/African-American, 0.051%; no homozygotes.

Submissions (2):

PreventionGenetics, part of Exact Sciences
Classification: Uncertain significance for PKD1L1-related condition. Last evaluated: 2026-04-22. Review status: criteria provided, single submitter. Criteria: ACMG Guidelines, 2015. Collection method: clinical testing. Allele origin: germline.
Comment: The PKD1L1 c.6851T>A variant is predicted to result in the amino acid substitution p.Leu2284Gln. To our knowledge, this variant has not been reported in the literature. This variant is reported in 0.040% of alleles in individuals of African descent in gnomAD. At this time, the clinical significance of this variant is uncertain due to the absence of conclusive functional and genetic evidence.

Ambry Genetics
Classification: Uncertain significance for Inborn genetic diseases. Last evaluated: 2024-05-26. Review status: criteria provided, single submitter. Criteria: Ambry Variant Classification Scheme 2023. Collection method: clinical testing. Allele origin: germline.

NM_138295.5(PKD1L1):c.6851T>A (p.Leu2284Gln)

Gene: PKD1L1 (polycystin 1 like 1, transient receptor potential channel interacting; minus strand). Cytogenetic location: 7p12.3.
Variant type: single nucleotide variant.
Coding change: c.6851T>A on transcript NM_138295.5 (MANE Select); coding-DNA position 6851, T replaced by A.
Protein change: p.Leu2284Gln; replaces leucine 2284 with glutamine.
Molecular consequence: missense variant.
Genome position (GRCh38, 1-based): chr7:47,827,353, A>T on the plus strand (T>A on the coding strand, the complement: PKD1L1 is on the minus strand). VCF-style: chr7-47827353-A-T. GRCh37 (hg19) VCF-style: chr7-47866951-A-T.
Other names: short protein forms L2284Q.
Identifiers: ClinVar variation 3306864 (VCV003306864.2).